The following is an entry in ClinVar:

ClinVar aggregate classification (germline): Uncertain significance (1 of 4 stars; one submission).

Conditions:
Bethlem myopathy 1A. Also called: MYOPATHY, BENIGN CONGENITAL, WITH CONTRACTURES; Bethlem myopathy 1; Bethlem Muscular Dystrophy. Identifiers: Orphanet 610, MedGen CN029274, MONDO:0024530, OMIM 158810.

Submission:

Labcorp Genetics (formerly Invitae), Labcorp
Classification: Uncertain significance for Bethlem myopathy 1A. Last evaluated: 2025-12-15. Review status: criteria provided, single submitter. Criteria: Invitae Variant Classification Sherloc (09022015). Collection method: clinical testing. Allele origin: germline.
Comment: This sequence change replaces glycine, which is neutral and non-polar, with alanine, which is neutral and non-polar, at codon 2813 of the COL6A3 protein (p.Gly2813Ala). This variant is not present in population databases (gnomAD no frequency). This variant has not been reported in the literature in individuals affected with COL6A3-related conditions. Invitae Evidence Modeling of protein sequence and biophysical properties (such as structural, functional, and spatial information, amino acid conservation, physicochemical variation, residue mobility, and thermodynamic stability) indicates that this missense variant is not expected to disrupt COL6A3 protein function with a negative predictive value of 80%. In summary, the available evidence is currently insufficient to determine the role of this variant in disease. Therefore, it has been classified as a Variant of Uncertain Significance.

NM_004369.4(COL6A3):c.8438G>C (p.Gly2813Ala)

Gene: COL6A3 (collagen type VI alpha 3 chain; minus strand). Cytogenetic location: 2q37.3.
Variant type: single nucleotide variant.
Coding change: c.8438G>C on transcript NM_004369.4 (MANE Select); coding-DNA position 8438, G replaced by C.
Protein change: p.Gly2813Ala; replaces glycine 2813 with alanine.
Molecular consequence: missense variant.
Genome position (GRCh38, 1-based): chr2:237,340,478, C>G on the plus strand (G>C on the coding strand, the complement: COL6A3 is on the minus strand). VCF-style: chr2-237340478-C-G. GRCh37 (hg19) VCF-style: chr2-238249121-C-G.
Other names: c.6617G>C, p.Gly2206Ala (NM_057166.5); c.7820G>C, p.Gly2607Ala (NM_057167.4); short protein forms G2206A, G2813A, G2607A.
Identifiers: ClinVar variation 4736814 (VCV004736814.1).